The following is an entry in ClinVar:

ClinVar aggregate classification (germline): Uncertain significance. Review status: criteria provided, multiple submitters, no conflicts (2 of 4 stars). 2 submissions from 2 submitters: Uncertain significance (2). Last evaluated 2025-12-08.

Conditions:
Inborn genetic diseases. Identifiers: MedGen C0950123, MeSH D030342.

Allele frequency attached by ClinVar (database versions not stated): gnomAD exomes 0.00001.
gnomAD v4.1: 16 of 1,614,000 alleles (0.00099%); highest among the groups gnomAD compares: Admixed American, 0.0017%; no homozygotes.

Submissions (2):

Labcorp Genetics (formerly Invitae), Labcorp
Classification: Uncertain significance. Last evaluated: 2025-12-08. Review status: criteria provided, single submitter. Criteria: Invitae Variant Classification Sherloc (09022015). Collection method: clinical testing. Allele origin: germline.
Comment: This sequence change replaces leucine, which is neutral and non-polar, with isoleucine, which is neutral and non-polar, at codon 65 of the MBD4 protein (p.Leu65Ile). This variant is present in population databases (no rsID available, gnomAD 0.003%). This variant has not been reported in the literature in individuals affected with MBD4-related conditions. ClinVar contains an entry for this variant (Variation ID: 2782540). An algorithm developed to predict the effect of missense changes on protein structure and function (PolyPhen-2) suggests that this variant is likely to be disruptive. In summary, the available evidence is currently insufficient to determine the role of this variant in disease. Therefore, it has been classified as a Variant of Uncertain Significance.

Ambry Genetics
Classification: Uncertain significance for Inborn genetic diseases. Last evaluated: 2025-03-04. Review status: criteria provided, single submitter. Criteria: Ambry Variant Classification Scheme 2023. Collection method: clinical testing. Allele origin: germline.
Comment: The p.L65I variant (also known as c.193C>A), located in coding exon 2 of the MBD4 gene, results from a C to A substitution at nucleotide position 193. The leucine at codon 65 is replaced by isoleucine, an amino acid with highly similar properties. This amino acid position is conserved. In addition, this alteration is predicted to be tolerated by in silico analysis. Based on the available evidence, the clinical significance of this variant remains unclear.

NM_001276270.2(MBD4):c.193C>A (p.Leu65Ile)

Gene: MBD4 (methyl-CpG binding domain 4, DNA glycosylase; minus strand). Cytogenetic location: 3q21.3.
Variant type: single nucleotide variant.
Coding change: c.193C>A on transcript NM_001276270.2 (MANE Select); coding-DNA position 193, C replaced by A.
Protein change: p.Leu65Ile; replaces leucine 65 with isoleucine.
Molecular consequence: missense variant.
Genome position (GRCh38, 1-based): chr3:129,437,862, G>T on the plus strand (C>A on the coding strand, the complement: MBD4 is on the minus strand). VCF-style: chr3-129437862-G-T. GRCh37 (hg19) VCF-style: chr3-129156705-G-T.
Other names: c.193C>A, p.Leu65Ile (NM_001276271.2, NM_001276272.2, NM_001276273.2 and 1 more transcripts); short protein forms L65I.
Identifiers: ClinVar variation 2782540 (VCV002782540.4), dbSNP rs964296187, ClinGen allele CA82637610.